The following is an entry in ClinVar:

NM_199242.3(UNC13D):c.305G>C (p.Arg102Pro)

Gene: UNC13D (unc-13 homolog D; minus strand). Cytogenetic location: 17q25.1.
Variant type: single nucleotide variant.
Coding change: c.305G>C on transcript NM_199242.3 (MANE Select); coding-DNA position 305, G replaced by C.
Protein change: p.Arg102Pro; replaces arginine 102 with proline.
Molecular consequence: missense variant.
Genome position (GRCh38, 1-based): chr17:75,843,030, C>G on the plus strand (G>C on the coding strand, the complement: UNC13D is on the minus strand). VCF-style: chr17-75843030-C-G. GRCh37 (hg19) VCF-style: chr17-73839111-C-G.
Other names: short protein forms R102P.
Identifiers: ClinVar variation 3630935 (VCV003630935.2).

ClinVar aggregate classification (germline): Uncertain significance (1 of 4 stars; one submission).

Conditions:
Familial hemophagocytic lymphohistiocytosis 3 (FHL3). Also called: UNC13D-Related Familial Hemophagocytic Lymphohistiocytosis (UNC13D-fHLH). Identifiers: Orphanet 540, MedGen C1837174, MONDO:0012146, OMIM 608898.

Submission:

Labcorp Genetics (formerly Invitae), Labcorp
Classification: Uncertain significance for Familial hemophagocytic lymphohistiocytosis 3. Last evaluated: 2026-01-13. Review status: criteria provided, single submitter. Criteria: Invitae Variant Classification Sherloc (09022015). Collection method: clinical testing. Allele origin: germline.
Comment: This sequence change replaces arginine, which is basic and polar, with proline, which is neutral and non-polar, at codon 102 of the UNC13D protein (p.Arg102Pro). This variant is not present in population databases (gnomAD no frequency). This variant has not been reported in the literature in individuals affected with UNC13D-related conditions. ClinVar contains an entry for this variant (Variation ID: 3630935). Invitae Evidence Modeling of protein sequence and biophysical properties (such as structural, functional, and spatial information, amino acid conservation, physicochemical variation, residue mobility, and thermodynamic stability) indicates that this missense variant is not expected to disrupt UNC13D protein function with a negative predictive value of 80%. In summary, the available evidence is currently insufficient to determine the role of this variant in disease. Therefore, it has been classified as a Variant of Uncertain Significance.